The following is an entry in ClinVar:

NM_177438.3(DICER1):c.154_157del (p.Leu52fs)

Gene: DICER1 (dicer 1, ribonuclease III; minus strand). Cytogenetic location: 14q32.13.
Variant type: Deletion.
Coding change: c.154_157del on transcript NM_177438.3 (MANE Select); coding-DNA positions 154 to 157, 4 bases deleted (CTTG; older notation c.154_157delCTTG).
Protein change: p.Leu52fs; shifts the reading frame from leucine 52.
Molecular consequence: frameshift variant. On other transcripts: 5 prime UTR variant (9), non-coding transcript variant (6).
Genome position (GRCh38, 1-based): chr14:95,132,665-95,132,668, CAAG deleted on the plus strand (CTTG on the coding strand, the reverse complement: DICER1 is on the minus strand); deleting any 4 consecutive bases within chr14:95,132,665-95,132,670 gives the same sequence; the c. name uses the placement nearest the transcript's 3' end. VCF-style (leftmost placement, unchanged base first): chr14-95132664-TCAAG-T. GRCh37 (hg19) VCF-style: chr14-95599001-TCAAG-T.
Other names: c.154_157delCTTG (NM_177438.2); c.154_157del, p.Leu52fs (NM_001195573.1, NM_001271282.3, NM_001291628.2 and 14 more transcripts); c.-121_-118del (NM_001395686.1, NM_001395687.1, NM_001395688.1 and 4 more transcripts); c.-305_-302del (NM_001395691.1); c.-1415_-1412del (NM_001395697.1); short protein forms L52fs.
Identifiers: ClinVar variation 4869756 (VCV004869756.1).

ClinVar aggregate classification (germline): Pathogenic (1 of 4 stars; one submission).

Conditions:
Hereditary cancer-predisposing syndrome. Also called: Neoplastic Syndromes, Hereditary; Tumor predisposition; Hereditary Cancer Syndrome; Hereditary neoplastic syndrome. Identifiers: Orphanet 140162, MedGen C0027672, MeSH D009386, MONDO:0015356.

Submission:

Ambry Genetics
Classification: Pathogenic for Hereditary cancer-predisposing syndrome. Last evaluated: 2026-04-17. Review status: criteria provided, single submitter. Criteria: Ambry Variant Classification Scheme 2023. Collection method: clinical testing. Allele origin: germline.
Comment: The c.154_157delCTTG variant, located in coding exon 2 of the DICER1 gene, results from a deletion of 4 nucleotides at nucleotide positions 154 to 157, causing a translational frameshift with a predicted alternate stop codon (p.L52Kfs*12). This variant is considered to be rare based on population cohorts in the Genome Aggregation Database (gnomAD). This alteration is expected to result in loss of function by premature protein truncation or nonsense-mediated mRNA decay. As such, this alteration is interpreted as a disease-causing mutation.